The following is an entry in ClinVar:

NM_001394998.1(TANC2):c.4097A>G (p.Asp1366Gly)

Gene: TANC2 (tetratricopeptide repeat, ankyrin repeat and coiled-coil containing 2; plus strand). Cytogenetic location: 17q23.3.
Variant type: single nucleotide variant.
Coding change: c.4097A>G on transcript NM_001394998.1 (MANE Select); coding-DNA position 4097, A replaced by G.
Protein change: p.Asp1366Gly; replaces aspartic acid 1366 with glycine.
Molecular consequence: missense variant.
Genome position (GRCh38, 1-based): chr17:63,415,604, A>G. VCF-style: chr17-63415604-A-G. GRCh37 (hg19) VCF-style: chr17-61492965-A-G.
Other names: c.3875A>G, p.Asp1292Gly (NM_001411076.1); c.3845A>G, p.Asp1282Gly (NM_025185.4); short protein forms D1282G, D1292G, D1366G.
Identifiers: ClinVar variation 4886015 (VCV004886015.2).

ClinVar aggregate classification (germline): Uncertain significance (1 of 4 stars; one submission).

gnomAD v4.1: 2 of 1,613,618 alleles (0.00012%); highest among the groups gnomAD compares: East Asian, 0.0022%; no homozygotes.

Submission:

Dasa
Classification: Uncertain significance. Last evaluated: 2025-03-09. Review status: criteria provided, single submitter. Criteria: DASA Assertion Criteria. Collection method: clinical testing. Allele origin: germline.
Comment: NM_001394998.1(TANC2):c.4097A>G (p.Asp1366Gly) is a missense variant that results in the substitution of aspartic acid with glycine. This variant is rare in population databases. The currently available literature and clinical evidence are not sufficient to establish a definitive association between this variant and the reported condition. Therefore, this variant is classified as a variant of uncertain significance.